The following is an entry in ClinVar:

NM_021615.5(CHST6):c.625C>T (p.Arg209Cys)

Gene: CHST6 (carbohydrate sulfotransferase 6; minus strand). Cytogenetic location: 16q23.1.
Variant type: single nucleotide variant.
Coding change: c.625C>T on transcript NM_021615.5 (MANE Select); coding-DNA position 625, C replaced by T.
Protein change: p.Arg209Cys; replaces arginine 209 with cysteine.
Molecular consequence: missense variant.
Genome position (GRCh38, 1-based): chr16:75,479,204, G>A on the plus strand (C>T on the coding strand, the complement: CHST6 is on the minus strand). VCF-style: chr16-75479204-G-A. GRCh37 (hg19) VCF-style: chr16-75513102-G-A.
Other names: short protein forms R209C.
Identifiers: ClinVar variation 2151729 (VCV002151729.3), dbSNP rs769402722, ClinGen allele CA8175445.

ClinVar aggregate classification (germline): Uncertain significance (1 of 4 stars; one submission).

Conditions:
Macular corneal dystrophy (MCD). Also called: Macular corneal dystrophy Type I; GROENOUW TYPE II CORNEAL DYSTROPHY. Identifiers: Orphanet 98969, MedGen C1636149, MONDO:0009020, OMIM 217800.

Allele frequency attached by ClinVar (database versions not stated): gnomAD exomes below 0.00001; TOPMed below 0.00001; ExAC 0.00003.

Submission:

Labcorp Genetics (formerly Invitae), Labcorp
Classification: Uncertain significance for Macular corneal dystrophy. Last evaluated: 2023-10-16. Review status: criteria provided, single submitter. Criteria: Invitae Variant Classification Sherloc (09022015). Collection method: clinical testing. Allele origin: germline.
Comment: This sequence change replaces arginine, which is basic and polar, with cysteine, which is neutral and slightly polar, at codon 209 of the CHST6 protein (p.Arg209Cys). This variant is present in population databases (rs769402722, gnomAD 0.007%). This variant has not been reported in the literature in individuals affected with CHST6-related conditions. ClinVar contains an entry for this variant (Variation ID: 2151729). Advanced modeling of protein sequence and biophysical properties (such as structural, functional, and spatial information, amino acid conservation, physicochemical variation, residue mobility, and thermodynamic stability) performed at Invitae indicates that this missense variant is not expected to disrupt CHST6 protein function. In summary, the available evidence is currently insufficient to determine the role of this variant in disease. Therefore, it has been classified as a Variant of Uncertain Significance.